The following is an entry in ClinVar:

NM_022436.3(ABCG5):c.436G>T (p.Glu146Ter)

Gene: ABCG5 (ATP binding cassette subfamily G member 5; minus strand). Cytogenetic location: 2p21.
Variant type: single nucleotide variant.
Coding change: c.436G>T on transcript NM_022436.3 (MANE Select); coding-DNA position 436, G replaced by T.
Protein change: p.Glu146Ter; replaces glutamic acid 146 with a stop codon.
Molecular consequence: nonsense.
Genome position (GRCh38, 1-based): chr2:43,831,834, C>A on the plus strand (G>T on the coding strand, the complement: ABCG5 is on the minus strand). VCF-style: chr2-43831834-C-A. GRCh37 (hg19) VCF-style: chr2-44058973-C-A.
Other names: c.436G>T (NM_022436.2); short protein forms E146*.
Identifiers: ClinVar variation 3720320 (VCV003720320.3).

ClinVar aggregate classification (germline): Pathogenic. Review status: criteria provided, multiple submitters, no conflicts (2 of 4 stars). 2 submissions from 2 submitters: Pathogenic (2). Last evaluated 2026-03-23.

Conditions:
Cardiovascular phenotype. Identifiers: MedGen CN230736.
Sitosterolemia (STSL). Also called: PHYTOSTEROLEMIA. Identifiers: Orphanet 2882, MedGen C0342907, MONDO:0008863.

gnomAD v4.1: 25 of 1,586,618 alleles (0.0016%); highest among the groups gnomAD compares: African/African-American, 0.0027%; no homozygotes.

Submissions (2):

Ambry Genetics
Classification: Pathogenic for Cardiovascular phenotype. Last evaluated: 2026-03-23. Review status: criteria provided, single submitter. Criteria: Ambry Variant Classification Scheme 2023. Collection method: clinical testing. Allele origin: germline.
Comment: The p.E146* pathogenic mutation (also known as c.436G>T), located in coding exon 4 of the ABCG5 gene, results from a G to T substitution at nucleotide position 436. This changes the amino acid from a glutamic acid to a stop codon within coding exon 4. This variant has been identified in conjunction with other ABCG5 variant(s) in individual(s) with features consistent with ABCG5-related sitosterolemia (Rees DC et al. Br J Haematol, 2005 Jul;130:297-309). This variant is considered to be rare based on population cohorts in the Genome Aggregation Database (gnomAD). This alteration is expected to result in loss of function by premature protein truncation or nonsense-mediated mRNA decay. As such, this alteration is interpreted as a disease-causing mutation.

Labcorp Genetics (formerly Invitae), Labcorp
Classification: Pathogenic for Sitosterolemia. Last evaluated: 2025-09-04. Review status: criteria provided, single submitter. Criteria: Invitae Variant Classification Sherloc (09022015). Collection method: clinical testing. Allele origin: germline.
Comment: This sequence change creates a premature translational stop signal (p.Glu146*) in the ABCG5 gene. It is expected to result in an absent or disrupted protein product. Loss-of-function variants in ABCG5 are known to be pathogenic (PMID: 11138003, 25665839). This variant is not present in population databases (gnomAD no frequency). This premature translational stop signal has been observed in individual(s) with clinical features of sitosterolemia (PMID: 16029460). ClinVar contains an entry for this variant (Variation ID: 3720320). For these reasons, this variant has been classified as Pathogenic.

Literature cited by the submitters: PubMed 16029460 (cited by Ambry Genetics and Labcorp Genetics (formerly Invitae), Labcorp); PubMed 11138003 (cited by Labcorp Genetics (formerly Invitae), Labcorp); PubMed 25665839 (cited by Labcorp Genetics (formerly Invitae), Labcorp).